The following is an entry in ClinVar:

NM_030662.4(MAP2K2):c.926G>A (p.Gly309Glu)

Gene: MAP2K2 (mitogen-activated protein kinase kinase 2; minus strand). Cytogenetic location: 19p13.3.
Variant type: single nucleotide variant.
Coding change: c.926G>A on transcript NM_030662.4 (MANE Select); coding-DNA position 926, G replaced by A.
Protein change: p.Gly309Glu; replaces glycine 309 with glutamic acid.
Molecular consequence: missense variant.
Genome position (GRCh38, 1-based): chr19:4,097,337, C>T on the plus strand (G>A on the coding strand, the complement: MAP2K2 is on the minus strand). VCF-style: chr19-4097337-C-T. GRCh37 (hg19) VCF-style: chr19-4097335-C-T.
Other names: short protein forms G309E.
Identifiers: ClinVar variation 3636795 (VCV003636795.2).

ClinVar aggregate classification (germline): Uncertain significance (1 of 4 stars; one submission).

Conditions:
RASopathy. Also called: Noonan spectrum disorder; rasopathies. Identifiers: Orphanet 536391, MedGen C5555857, MONDO:0021060.

gnomAD v4.1: 1 of 1,612,616 alleles (0.000062%); highest among the groups gnomAD compares: Non-Finnish European, 0.000085%; no homozygotes.

Submission:

Labcorp Genetics (formerly Invitae), Labcorp
Classification: Uncertain significance for RASopathy. Last evaluated: 2024-03-28. Review status: criteria provided, single submitter. Criteria: Invitae Variant Classification Sherloc (09022015). Collection method: clinical testing. Allele origin: germline.
Comment: This sequence change replaces glycine, which is neutral and non-polar, with glutamic acid, which is acidic and polar, at codon 309 of the MAP2K2 protein (p.Gly309Glu). This variant is not present in population databases (gnomAD no frequency). This variant has not been reported in the literature in individuals affected with MAP2K2-related conditions. Advanced modeling of protein sequence and biophysical properties (such as structural, functional, and spatial information, amino acid conservation, physicochemical variation, residue mobility, and thermodynamic stability) performed at Invitae indicates that this missense variant is not expected to disrupt MAP2K2 protein function with a negative predictive value of 95%. In summary, the available evidence is currently insufficient to determine the role of this variant in disease. Therefore, it has been classified as a Variant of Uncertain Significance.